The following is an entry in ClinVar:

ClinVar aggregate classification (germline): Uncertain significance (1 of 4 stars; one submission).

Conditions:
Hereditary cancer-predisposing syndrome. Also called: Neoplastic Syndromes, Hereditary; Tumor predisposition; Hereditary neoplastic syndrome; Hereditary Cancer Syndrome. Identifiers: Orphanet 140162, MedGen C0027672, MeSH D009386, MONDO:0015356.

Submission:

Ambry Genetics
Classification: Uncertain significance for Hereditary cancer-predisposing syndrome. Last evaluated: 2026-07-29. Review status: criteria provided, single submitter. Criteria: Ambry Variant Classification Scheme 2023. Collection method: clinical testing. Allele origin: germline.
Comment: The p.A441T variant (also known as c.1321G>A), located in coding exon 9 of the BMPR1A gene, results from a G to A substitution at nucleotide position 1321. The alanine at codon 441 is replaced by threonine, an amino acid with similar properties. This amino acid position is well conserved in available vertebrate species. In addition, this alteration is predicted to be tolerated by in silico analysis. Based on the available evidence, the clinical significance of this variant remains unclear.

NM_004329.3(BMPR1A):c.1321G>A (p.Ala441Thr)

Gene: BMPR1A (bone morphogenetic protein receptor type 1A; plus strand). Cytogenetic location: 10q23.2.
Variant type: single nucleotide variant.
Coding change: c.1321G>A on transcript NM_004329.3 (MANE Select); coding-DNA position 1321, G replaced by A.
Protein change: p.Ala441Thr; replaces alanine 441 with threonine.
Molecular consequence: missense variant. On other transcripts: non-coding transcript variant (3).
Genome position (GRCh38, 1-based): chr10:86,921,674, G>A. VCF-style: chr10-86921674-G-A. GRCh37 (hg19) VCF-style: chr10-88681431-G-A.
Other names: c.1321G>A, p.Ala441Thr (NM_001406581.1, NM_001406582.1, NM_001406561.1 and 19 more transcripts); c.1315G>A, p.Ala439Thr (NM_001406583.1); c.1237G>A, p.Ala413Thr (NM_001406584.1, NM_001406585.1, NM_001406586.1 and 2 more transcripts); c.979G>A, p.Ala327Thr (NM_001406589.1); c.1396G>A, p.Ala466Thr (NM_001406559.1); c.1369G>A, p.Ala457Thr (NM_001406560.1); short protein forms A413T, A439T, A441T, A327T, A457T, A466T.
Identifiers: ClinVar variation 5033031 (VCV005033031.1).